The following is an entry in ClinVar:

ClinVar aggregate classification (germline): Uncertain significance (1 of 4 stars; one submission).

Conditions:
Polyglucosan body myopathy type 2. Identifiers: Orphanet 456369, MedGen C4015452, MONDO:0014526, OMIM 616199.
Glycogen storage disease XV (GSD15). Also called: GLYCOGENIN DEFICIENCY; GSD XV. Identifiers: Orphanet 263297, MedGen C3150754, MONDO:0013291, OMIM 613507.

Submission:

Labcorp Genetics (formerly Invitae), Labcorp
Classification: Uncertain significance for Polyglucosan body myopathy type 2; Glycogen storage disease XV. Last evaluated: 2022-07-06. Review status: criteria provided, single submitter. Criteria: Invitae Variant Classification Sherloc (09022015). Collection method: clinical testing. Allele origin: germline.
Comment: This sequence change replaces serine, which is neutral and polar, with proline, which is neutral and non-polar, at codon 301 of the GYG1 protein (p.Ser301Pro). This variant is not present in population databases (gnomAD no frequency). This variant has not been reported in the literature in individuals affected with GYG1-related conditions. Algorithms developed to predict the effect of missense changes on protein structure and function (SIFT, PolyPhen-2, Align-GVGD) all suggest that this variant is likely to be tolerated. In summary, the available evidence is currently insufficient to determine the role of this variant in disease. Therefore, it has been classified as a Variant of Uncertain Significance.

NM_004130.4(GYG1):c.901T>C (p.Ser301Pro)

Gene: GYG1 (glycogenin 1; plus strand). Cytogenetic location: 3q24.
Variant type: single nucleotide variant.
Coding change: c.901T>C on transcript NM_004130.4 (MANE Select); coding-DNA position 901, T replaced by C.
Protein change: p.Ser301Pro; replaces serine 301 with proline.
Molecular consequence: missense variant. On other transcripts: synonymous variant (1).
Genome position (GRCh38, 1-based): chr3:149,026,781, T>C. VCF-style: chr3-149026781-T-C. GRCh37 (hg19) VCF-style: chr3-148744568-T-C.
Other names: c.850T>C, p.Ser284Pro (NM_001184720.2); c.630T>C, p.Tyr210= (NM_001184721.2); short protein forms S284P, S301P.
Identifiers: ClinVar variation 2014704 (VCV002014704.4), dbSNP rs2472763191, ClinGen allele CA354909249.